The following is an entry in ClinVar:

NM_002439.5(MSH3):c.1129A>C (p.Asn377His)

Gene: MSH3 (mutS homolog 3; plus strand). Cytogenetic location: 5q14.1.
Variant type: single nucleotide variant.
Coding change: c.1129A>C on transcript NM_002439.5 (MANE Select); coding-DNA position 1129, A replaced by C.
Protein change: p.Asn377His; replaces asparagine 377 with histidine.
Molecular consequence: missense variant.
Genome position (GRCh38, 1-based): chr5:80,675,084, A>C. VCF-style: chr5-80675084-A-C. GRCh37 (hg19) VCF-style: chr5-79970903-A-C.
Other names: short protein forms N377H.
Identifiers: ClinVar variation 4860357 (VCV004860357.1).

ClinVar aggregate classification (germline): Uncertain significance (1 of 4 stars; one submission).

Conditions:
Hereditary cancer-predisposing syndrome. Also called: Neoplastic Syndromes, Hereditary; Tumor predisposition; Hereditary Cancer Syndrome; Hereditary neoplastic syndrome. Identifiers: Orphanet 140162, MedGen C0027672, MeSH D009386, MONDO:0015356.

Submission:

Ambry Genetics
Classification: Uncertain significance for Hereditary cancer-predisposing syndrome. Last evaluated: 2026-05-22. Review status: criteria provided, single submitter. Criteria: Ambry Variant Classification Scheme 2023. Collection method: clinical testing. Allele origin: germline.
Comment: The p.N377H variant (also known as c.1129A>C), located in coding exon 7 of the MSH3 gene, results from an A to C substitution at nucleotide position 1129. The asparagine at codon 377 is replaced by histidine, an amino acid with similar properties. This amino acid position is conserved. In addition, the in silico prediction for this alteration is inconclusive. Based on the available evidence, the clinical significance of this variant remains unclear.